The following is an entry in ClinVar:

NM_003000.3(SDHB):c.9G>A (p.Ala3=)

Gene: SDHB (succinate dehydrogenase complex iron sulfur subunit B; minus strand). Cytogenetic location: 1p36.13.
Variant type: single nucleotide variant.
Coding change: c.9G>A on transcript NM_003000.3 (MANE Select); coding-DNA position 9, G replaced by A.
Protein change: p.Ala3=; no amino-acid change (alanine 3 retained).
Molecular consequence: synonymous variant.
Genome position (GRCh38, 1-based): chr1:17,054,011, C>T on the plus strand (G>A on the coding strand, the complement: SDHB is on the minus strand). VCF-style: chr1-17054011-C-T. GRCh37 (hg19) VCF-style: chr1-17380506-C-T.
Other names: c.9G>A (NM_003000.2).
Identifiers: ClinVar variation 1535700 (VCV001535700.11), dbSNP rs1350879010, ClinGen allele CA416048852.
Genomic context (GRCh38, chr1:17,054,011, plus strand): 5'-CAGGCAGGCTCCGCCAAGGGTTGTGGCCGGCAACCGGCGCCTCAAGGAGAGGGCGACCAC[C>T]GCCGCCATCTTGGCTCCTGACGTCAGCCCCACCCCTTAACCCCGAGGTCGCTCTCCGCCG-3'
Protein context (NP_002991.2, residues 1-13): MA[Ala3=]VVALSLRRRL

ClinVar aggregate classification (germline): Benign/Likely benign. Review status: criteria provided, multiple submitters, no conflicts (2 of 4 stars). 3 submissions from 3 submitters: Benign (1); Likely benign (2). Last evaluated 2025-03-11.

Conditions:
Hereditary cancer-predisposing syndrome. Also called: Tumor predisposition; Neoplastic Syndromes, Hereditary; Hereditary Cancer Syndrome; Hereditary neoplastic syndrome. Identifiers: Orphanet 140162, MedGen C0027672, MeSH D009386, MONDO:0015356.
Pheochromocytoma/paraganglioma syndrome 4. Also called: PHEOCHROMOCYTOMA, FAMILIAL EXTRAADRENAL; CAROTID BODY TUMORS AND MULTIPLE EXTRAADRENAL PHEOCHROMOCYTOMAS; PARAGANGLIOMA, FAMILIAL MALIGNANT; PARAGANGLIOMAS, HEREDITARY EXTRAADRENAL; Paragangliomas 4; SDHB-Related Hereditary Paraganglioma-Pheochromocytoma Syndrome (Paragangliomas 4). Identifiers: Orphanet 29072, MedGen C1861848, MONDO:0007273, OMIM 115310.
Pheochromocytoma. Also called: MAX-Related Hereditary Paraganglioma-Pheochromocytoma Syndrome. Identifiers: Orphanet 29072, MedGen C0031511, MONDO:0008233, OMIM 171300, HP:0002666.
Gastrointestinal stromal tumor. Also called: Gastrointestinal stromal tumor, somatic; Gastrointestinal stroma tumor. Identifiers: Orphanet 44890, MedGen C0238198, MeSH D046152, MONDO:0011719, OMIM 606764, HP:0100723.

Submissions (3):

Myriad Genetics, Inc.
Classification: Benign for Pheochromocytoma/paraganglioma syndrome 4. Last evaluated: 2025-03-11. Review status: criteria provided, single submitter. Criteria: Myriad Autosomal Dominant, Autosomal Recessive and X-Linked Classification Criteria (2023). Collection method: clinical testing. Allele origin: unknown.
Comment: This variant is considered benign. This variant is a silent/synonymous amino acid change and it is not expected to impact splicing.

Ambry Genetics
Classification: Likely benign for Hereditary cancer-predisposing syndrome. Last evaluated: 2023-06-21. Review status: criteria provided, single submitter. Criteria: Ambry Variant Classification Scheme 2023. Collection method: clinical testing. Allele origin: germline.

Labcorp Genetics (formerly Invitae), Labcorp
Classification: Likely benign for Gastrointestinal stromal tumor; Pheochromocytoma/paraganglioma syndrome 4; Pheochromocytoma. Last evaluated: 2023-02-18. Review status: criteria provided, single submitter. Criteria: Invitae Variant Classification Sherloc (09022015). Collection method: clinical testing. Allele origin: germline.